The following is an entry in ClinVar:

ClinVar aggregate classification (germline): Benign. Review status: criteria provided, multiple submitters, no conflicts (2 of 4 stars). 6 submissions from 6 submitters: Benign (5). 1 of the submissions does not count toward it. Last evaluated 2026-02-04.

Conditions:
Intellectual developmental disorder 60 with seizures. Also called: MENTAL RETARDATION, AUTOSOMAL DOMINANT 60, WITH SEIZURES; INTELLECTUAL DEVELOPMENTAL DISORDER, AUTOSOMAL DOMINANT 60, WITH SEIZURES. Identifiers: MedGen C5231497, MONDO:0032823, OMIM 618587.
AP2M1-related disorder. Also called: AP2M1-related condition.

Allele frequency attached by ClinVar (database versions not stated): 1000 Genomes Project 30x 0.14756; gnomAD 0.18694 and 0.18367; 1000 Genomes Project 0.14357; ESP Exome Variant Server 0.18326; gnomAD exomes 0.16062 and 0.18097; ExAC 0.17191; TOPMed 0.18175.

Submissions (6):

Labcorp Genetics (formerly Invitae), Labcorp
Classification: Benign. Last evaluated: 2026-02-04. Review status: criteria provided, single submitter. Criteria: Invitae Variant Classification Sherloc (09022015). Collection method: clinical testing. Allele origin: germline.

Unidad de Genómica Garrahan, Hospital de Pediatría Garrahan
Classification: Benign. Last evaluated: 2024-07-31. Review status: criteria provided, single submitter. Criteria: ACMG Guidelines, 2015. Collection method: clinical testing. Allele origin: germline. Affected: no. Observed: 23 variant alleles.
Comment: This variant is classified as Benign based on local population frequency. This variant was detected in 25% of patients studied in a panel designed for Epileptic and Developmental Encephalopathy, Progressive Myoclonus Epilepsy and Abnormal Movements and Neurodegeneration with brain iron accumulation. Number of patients: 23. Only high quality variants are reported.

Mayo Clinic Laboratories, Mayo Clinic
Classification: Benign. Last evaluated: 2021-11-29. Review status: criteria provided, single submitter. Criteria: ACMG Guidelines, 2015. Collection method: clinical testing. Allele origin: germline. Observed: 74 variant alleles.

Genome-Nilou Lab
Classification: Benign for Intellectual developmental disorder 60 with seizures. Last evaluated: 2021-07-14. Review status: criteria provided, single submitter. Criteria: ACMG Guidelines, 2015. Collection method: clinical testing. Allele origin: germline. Affected: no.

Breakthrough Genomics
Classification: Benign. Review status: criteria provided, single submitter. Criteria: ACMG Guidelines, 2015. Collection method: not provided. Allele origin: germline. Inheritance: Autosomal dominant inheritance. Affected: yes.

PreventionGenetics, part of Exact Sciences
Classification: Benign for AP2M1-related condition. Last evaluated: 2019-11-05. Review status: no assertion criteria provided. Collection method: clinical testing. Allele origin: germline. Not counted in ClinVar's aggregate classification.
Comment: This variant is classified as benign based on ACMG/AMP sequence variant interpretation guidelines (Richards et al. 2015 PMID: 25741868, with internal and published modifications).

NM_004068.4(AP2M1):c.960C>T (p.Ile320=)

Gene: AP2M1 (adaptor related protein complex 2 subunit mu 1; plus strand). Cytogenetic location: 3q27.1.
Variant type: single nucleotide variant.
Coding change: c.960C>T on transcript NM_004068.4 (MANE Select); coding-DNA position 960, C replaced by T.
Protein change: p.Ile320=; no amino-acid change (isoleucine 320 retained).
Molecular consequence: synonymous variant.
Genome position (GRCh38, 1-based): chr3:184,182,044, C>T. VCF-style: chr3-184182044-C-T. GRCh37 (hg19) VCF-style: chr3-183899832-C-T.
Other names: p.Ile320=; c.1035C>T (NM_001311198.1); c.954C>T, p.Ile318= (NM_001025205.2); c.1035C>T, p.Ile345= (NM_001311198.2).
Identifiers: ClinVar variation 1192404 (VCV001192404.16), dbSNP rs8478, ClinGen allele CA2727834.